The following is an entry in ClinVar:

NM_014009.4(FOXP3):c.659C>A (p.Ala220Glu)

Gene: FOXP3 (forkhead box P3; minus strand). Cytogenetic location: Xp11.23.
Variant type: single nucleotide variant.
Coding change: c.659C>A on transcript NM_014009.4 (MANE Select); coding-DNA position 659, C replaced by A.
Protein change: p.Ala220Glu; replaces alanine 220 with glutamic acid.
Molecular consequence: missense variant.
Genome position (GRCh38, 1-based): chrX:49,255,791, G>T on the plus strand (C>A on the coding strand, the complement: FOXP3 is on the minus strand). VCF-style: chrX-49255791-G-T. GRCh37 (hg19) VCF-style: chrX-49112252-G-T.
Other names: c.554C>A, p.Ala185Glu (NM_001114377.2); short protein forms A220E, A185E.
Identifiers: ClinVar variation 2148481 (VCV002148481.4), dbSNP rs2232369, ClinGen allele CA10411758.

ClinVar aggregate classification (germline): Uncertain significance (1 of 4 stars; one submission).

Conditions:
Insulin-dependent diabetes mellitus secretory diarrhea syndrome (IPEX). Also called: DIABETES MELLITUS, CONGENITAL INSULIN-DEPENDENT, WITH FATAL SECRETORY DIARRHEA; DIARRHEA, POLYENDOCRINOPATHY, FATAL INFECTION SYNDROME, X-LINKED; ENTEROPATHY, AUTOIMMUNE, WITH HEMOLYTIC ANEMIA AND POLYENDOCRINOPATHY; Immunodeficiency, Polyendocrinopathy, and Enteropathy X-Linked Syndrome; X-Linked Syndrome of Polyendocrinopathy, Immune Dysfunction, and Diarrhea; IMMUNODEFICIENCY, POLYENDOCRINOPATHY, AND ENTEROPATHY, X-LINKED. Identifiers: Orphanet 37042, MedGen C0342288, MONDO:0010580, OMIM 304790. Disease mechanism: loss of function.

gnomAD v4.1: 3 of 1,203,344 alleles (0.00025%); highest among the groups gnomAD compares: Admixed American, 0.0066%; no homozygotes.

Submission:

Labcorp Genetics (formerly Invitae), Labcorp
Classification: Uncertain significance for Insulin-dependent diabetes mellitus secretory diarrhea syndrome. Last evaluated: 2022-10-23. Review status: criteria provided, single submitter. Criteria: Invitae Variant Classification Sherloc (09022015). Collection method: clinical testing. Allele origin: germline.
Comment: This sequence change replaces alanine, which is neutral and non-polar, with glutamic acid, which is acidic and polar, at codon 220 of the FOXP3 protein (p.Ala220Glu). The frequency data for this variant in the population databases is considered unreliable, as metrics indicate poor data quality at this position in the gnomAD database. This variant has not been reported in the literature in individuals affected with FOXP3-related conditions. Advanced modeling of protein sequence and biophysical properties (such as structural, functional, and spatial information, amino acid conservation, physicochemical variation, residue mobility, and thermodynamic stability) performed at Invitae indicates that this missense variant is not expected to disrupt FOXP3 protein function. In summary, the available evidence is currently insufficient to determine the role of this variant in disease. Therefore, it has been classified as a Variant of Uncertain Significance.